The following is an entry in ClinVar:

ClinVar aggregate classification (germline): Uncertain significance (1 of 4 stars; one submission).

Submission:

Illumina Laboratory Services, Illumina
Classification: Uncertain significance. Last evaluated: 2022-10-11. Review status: criteria provided, single submitter. Criteria: ICSL CNVClassificationCriteria Aug2020. Collection method: clinical testing. Allele origin: unknown. Affected: yes.
Comment: The FEM1C c.376G>A (p.Asp126Asn) missense variant results in the substitution of aspartic acid at amino acid position 126 with asparagine. To our knowledge, this variant has not been reported in the peer-reviewed literature. However, in both reported individuals with candidate variants in FEM1C, a different amino acid change at Asp126 was reported, specifically c.376G>C; (p.Asp126His) and c.377A>T (p.Asp126Val) (PMID: 28135719; DOI 10.1101/2022.04.24.489208). This variant is not found in version 2.1.1 or version 3.1.2 of the Genome Aggregation Database. Asp126 is a highly conserved residue located in the degron binding pocket of the protein and has been shown to interact directly with terminal arginines in arg/C-degrons (PMID: 33398168; PMID: 33398170). Based on the available evidence, the c.376G>A (p.Asp126Asn) variant is classified as a variant of uncertain significance.

Literature cited by the submitters: PubMed 28135719; PubMed 33398170; PubMed 33398168.

NM_020177.3(FEM1C):c.376G>A (p.Asp126Asn)

Gene: FEM1C (fem-1 homolog C; minus strand). Cytogenetic location: 5q22.3.
Variant type: single nucleotide variant.
Coding change: c.376G>A on transcript NM_020177.3 (MANE Select); coding-DNA position 376, G replaced by A.
Protein change: p.Asp126Asn; replaces aspartic acid 126 with asparagine.
Molecular consequence: missense variant.
Genome position (GRCh38, 1-based): chr5:115,543,118, C>T on the plus strand (G>A on the coding strand, the complement: FEM1C is on the minus strand). VCF-style: chr5-115543118-C-T. GRCh37 (hg19) VCF-style: chr5-114878815-C-T.
Other names: short protein forms D126N.
Identifiers: ClinVar variation 2429413 (VCV002429413.3), dbSNP rs2531722094, ClinGen allele CA360710323.